The following is an entry in ClinVar:

NM_014251.3(SLC25A13):c.1177+8C>T

Gene: SLC25A13 (solute carrier family 25 member 13; minus strand). Cytogenetic location: 7q21.3.
Variant type: single nucleotide variant.
Coding change: c.1177+8C>T on transcript NM_014251.3 (MANE Select); 8 bases into the intron after coding-DNA position 1177, C replaced by T.
Molecular consequence: intron variant.
Genome position (GRCh38, 1-based): chr7:96,184,269, G>A on the plus strand (C>T on the coding strand, the complement: SLC25A13 is on the minus strand). VCF-style: chr7-96184269-G-A. GRCh37 (hg19) VCF-style: chr7-95813581-G-A.
Other names: c.1180+8C>T (NM_001160210.2).
Identifiers: ClinVar variation 1145874 (VCV001145874.33), dbSNP rs1410802687, ClinGen allele CA576352521.

ClinVar aggregate classification (germline): Conflicting classifications of pathogenicity. Review status: criteria provided, conflicting classifications (1 of 4 stars). 2 submissions from 2 submitters: Uncertain significance (1); Likely benign (1). Last evaluated 2023-09-08.

Conditions:
Citrin deficiency. Identifiers: Orphanet 247582, MedGen C1997910, MONDO:0016602.

Allele frequency attached by ClinVar (database versions not stated): gnomAD exomes below 0.00001; TOPMed below 0.00001; gnomAD 0.00001.
gnomAD v4.1: 2 of 1,613,906 alleles (0.00012%); highest among the groups gnomAD compares: African/African-American, 0.0027%; no homozygotes.

Submissions (2):

Labcorp Genetics (formerly Invitae), Labcorp
Classification: Likely benign for Citrin deficiency. Last evaluated: 2023-09-08. Review status: criteria provided, single submitter. Criteria: Invitae Variant Classification Sherloc (09022015). Collection method: clinical testing. Allele origin: germline.

CeGaT Center for Human Genetics Tuebingen
Classification: Uncertain significance. Last evaluated: 2023-08-01. Review status: criteria provided, single submitter. Criteria: CeGaT Center For Human Genetics Tuebingen Variant Classification Criteria Version 2. Collection method: clinical testing. Allele origin: germline. Affected: yes. Observed: 1 variant allele.
Comment: SLC25A13: PM2, BP4